The following is an entry in ClinVar:

NM_000465.4(BARD1):c.987C>T (p.Ser329=)

Gene: BARD1 (BRCA1 associated RING domain 1; minus strand). Cytogenetic location: 2q35.
Variant type: single nucleotide variant.
Coding change: c.987C>T on transcript NM_000465.4 (MANE Select); coding-DNA position 987, C replaced by T.
Protein change: p.Ser329=; no amino-acid change (serine 329 retained).
Molecular consequence: synonymous variant. On other transcripts: non-coding transcript variant (2), intron variant (3).
Genome position (GRCh38, 1-based): chr2:214,780,887, G>A on the plus strand (C>T on the coding strand, the complement: BARD1 is on the minus strand). VCF-style: chr2-214780887-G-A. GRCh37 (hg19) VCF-style: chr2-215645611-G-A.
Other names: c.987C>T (NM_000465.2); c.930C>T, p.Ser310= (NM_001282543.2); c.159-28332C>T (NM_001282548.2); c.215+16174C>T (NM_001282545.2); c.364+11410C>T (NM_001282549.2).
Identifiers: ClinVar variation 1153718 (VCV001153718.13), dbSNP rs747190023, ClinGen allele CA2090352.
Genomic context (GRCh38, chr2:214,780,887, plus strand): 5'-CTTAACAAAATCTCCACTGGTGCTCAGAATGCTGGTTCTACATCTCTTAGAAATGGGACT[G>A]GAAAGTCTATTGTGATGGCCACGTTTTCCATTATTTTCTAATGGCAAAGATTTCTTAGAT-3'
Protein context (NP_000456.2, residues 319-339): NGKRGHHNRL[Ser329=]SPISKRCRTS

ClinVar aggregate classification (germline): Benign/Likely benign. Review status: criteria provided, multiple submitters, no conflicts (2 of 4 stars). 4 submissions from 4 submitters: Benign (1); Likely benign (3). Last evaluated 2025-12-29.

Conditions:
Hereditary cancer-predisposing syndrome. Also called: Hereditary neoplastic syndrome; Hereditary Cancer Syndrome; Tumor predisposition; Neoplastic Syndromes, Hereditary. Identifiers: Orphanet 140162, MedGen C0027672, MeSH D009386, MONDO:0015356.
Familial cancer of breast. Also called: hereditary breast carcinoma; BREAST CANCER, FAMILIAL; Hereditary breast cancer. Identifiers: Orphanet 227535, MedGen C0346153, MONDO:0016419, OMIM 114480. Disease mechanism: loss of function.

Allele frequency attached by ClinVar (database versions not stated): gnomAD exomes below 0.00001; ExAC 0.00001.
gnomAD v4.1: 3 of 1,614,078 alleles (0.00019%); highest among the groups gnomAD compares: Non-Finnish European, 0.00025%; no homozygotes.

Submissions (4):

Center for Genomic Medicine, Rigshospitalet, Copenhagen University Hospital
Classification: Likely benign. Last evaluated: 2025-12-29. Review status: criteria provided, single submitter. Criteria: ACMG Guidelines, 2015. Collection method: clinical testing. Allele origin: germline.

Myriad Genetics, Inc.
Classification: Benign for Familial cancer of breast. Last evaluated: 2024-07-23. Review status: criteria provided, single submitter. Criteria: Myriad Autosomal Dominant, Autosomal Recessive and X-Linked Classification Criteria (2023). Collection method: clinical testing. Allele origin: unknown.
Comment: This variant is considered benign. This variant is a silent/synonymous amino acid change and it is not expected to impact splicing.

Ambry Genetics
Classification: Likely benign for Hereditary cancer-predisposing syndrome. Last evaluated: 2023-05-18. Review status: criteria provided, single submitter. Criteria: Ambry Variant Classification Scheme 2023. Collection method: clinical testing. Allele origin: germline.

Labcorp Genetics (formerly Invitae), Labcorp
Classification: Likely benign for Familial cancer of breast. Last evaluated: 2023-01-24. Review status: criteria provided, single submitter. Criteria: Invitae Variant Classification Sherloc (09022015). Collection method: clinical testing. Allele origin: germline.